The following is an entry in ClinVar:

NM_020988.3(GNAO1):c.748C>T (p.Leu250Phe)

Gene: GNAO1 (G protein subunit alpha o1; plus strand). Cytogenetic location: 16q13.
Variant type: single nucleotide variant.
Coding change: c.748C>T on transcript NM_020988.3 (MANE Select); coding-DNA position 748, C replaced by T.
Protein change: p.Leu250Phe; replaces leucine 250 with phenylalanine.
Molecular consequence: missense variant.
Genome position (GRCh38, 1-based): chr16:56,351,408, C>T. VCF-style: chr16-56351408-C-T. GRCh37 (hg19) VCF-style: chr16-56385320-C-T.
Other names: short protein forms L250F.
Identifiers: ClinVar variation 1333550 (VCV001333550.3), dbSNP rs2143699618, ClinGen allele CA395954633.

ClinVar aggregate classification (germline): Conflicting classifications of pathogenicity. Review status: criteria provided, conflicting classifications (1 of 4 stars). 3 submissions from 3 submitters: Pathogenic (1); Likely pathogenic (1); Uncertain significance (1). Last evaluated 2022-05-04.

Conditions:
Neurodevelopmental disorder with involuntary movements (NEDIM). Identifiers: Orphanet 592564, MedGen C4479569, MONDO:0060491, OMIM 617493.
Developmental and epileptic encephalopathy, 17 (DEE17). Also called: Early infantile epileptic encephalopathy 17. Identifiers: Orphanet 1934, MedGen C3809606, MONDO:0014199, OMIM 615473.

Submissions (3):

Mendelics
Classification: Pathogenic for Developmental and epileptic encephalopathy, 17. Last evaluated: 2022-05-04. Review status: criteria provided, single submitter. Criteria: Mendelics Assertion Criteria 2019. Collection method: clinical testing. Allele origin: germline.

3billion
Classification: Uncertain significance for Neurodevelopmental disorder with involuntary movements. Last evaluated: 2022-01-03. Review status: criteria provided, single submitter. Criteria: ACMG Guidelines, 2015. Collection method: clinical testing. Allele origin: germline. Affected: yes. Observed: 1 heterozygote.
Comment: The variant is not observed in the gnomAD v2.1.1 dataset (PM2_M). In silico tool predictions suggest damaging effect of the variant on gene or gene product (REVEL: 0.91, PP3_P). A missense variant is a common mechanism associated with Neurodevelopmental disorder with involuntary movements (PP2_P). Therefore, this variant is classified as uncertain significance according to the recommendation of ACMG/AMP guideline.

Juno Genomics, Hangzhou Juno Genomics, Inc
Classification: Likely pathogenic for Developmental and epileptic encephalopathy, 17; Neurodevelopmental disorder with involuntary movements. Review status: criteria provided, single submitter. Criteria: ACMG Guidelines, 2015. Collection method: clinical testing. Allele origin: germline. Affected: yes.
Comment: Absent from controls (or at extremely low frequency if recessive) in Genome Aggregation Database.;Multiple lines of computational evidence support a deleterious effect on the gene or gene product.;Missense variant in a gene that has a low rate of benign missense variation.;De novo (both maternity and paternity confirmed) in a patient with the disease and no family history.